The following is an entry in ClinVar:

NM_001374736.1(DST):c.19160A>T (p.Asp6387Val)

Gene: DST (dystonin; minus strand). Cytogenetic location: 6p12.1.
Variant type: single nucleotide variant.
Coding change: c.19160A>T on transcript NM_001374736.1 (MANE Select); coding-DNA position 19160, A replaced by T.
Protein change: p.Asp6387Val; replaces aspartic acid 6387 with valine.
Molecular consequence: missense variant.
Genome position (GRCh38, 1-based): chr6:56,508,608, T>A on the plus strand (A>T on the coding strand, the complement: DST is on the minus strand). VCF-style: chr6-56508608-T-A. GRCh37 (hg19) VCF-style: chr6-56373406-T-A.
Other names: c.12803A>T, p.Asp4268Val (NM_001144769.5); c.12389A>T, p.Asp4130Val (NM_001144770.2); c.19160A>T, p.Asp6387Val (NM_001374722.1); c.18200A>T, p.Asp6067Val (NM_001374729.1); c.11942A>T, p.Asp3981Val (NM_001374730.1); c.19187A>T, p.Asp6396Val (NM_001374734.1); c.12269A>T, p.Asp4090Val (NM_001386100.1, NM_183380.4); c.11291A>T, p.Asp3764Val (NM_015548.5); short protein forms D3981V, D4090V, D6387V, D4268V, D3764V, D4130V, D6396V, D6067V.
Identifiers: ClinVar variation 2027321 (VCV002027321.4), dbSNP rs2534314910, ClinGen allele CA364523491.
Genomic context (GRCh38, chr6:56,508,608, plus strand): 5'-TGTTTTACTACTGAAGGATCAATTCCAGGATCTTCCAGGTCCCGGATGAAATCTTGAGTA[T>A]CTTTAATGGTAACTATCAATGACATGTGATCACACCAGAACTTTTCTGCTAGCTCCATCA-3'
Protein context (NP_001361665.1, residues 6377-6397): DHMSLIVTIK[Asp6387Val]TQDFIRDLED

ClinVar aggregate classification (germline): Uncertain significance (1 of 4 stars; one submission).

Conditions:
Epidermolysis bullosa simplex 3, localized or generalized intermediate, with BP230 deficiency (EBS3). Also called: Epidermolysis bullosa simplex due to BP230 deficiency; Epidermolysis bullosa simplex, autosomal recessive 2. Identifiers: Orphanet 412181, MedGen C3809470, MONDO:0014180, OMIM 615425.
Hereditary sensory and autonomic neuropathy type 6. Also called: HSAN VI; Neuropathy, hereditary sensory and autonomic, type VI. Identifiers: Orphanet 314381, MedGen C3539003, MONDO:0013839, OMIM 614653.

Submission:

Labcorp Genetics (formerly Invitae), Labcorp
Classification: Uncertain significance for Epidermolysis bullosa simplex 3, localized or generalized intermediate, with BP230 deficiency; Hereditary sensory and autonomic neuropathy type 6. Last evaluated: 2022-08-27. Review status: criteria provided, single submitter. Criteria: Invitae Variant Classification Sherloc (09022015). Collection method: clinical testing. Allele origin: germline.
Comment: This variant has not been reported in the literature in individuals affected with DST-related conditions. In summary, the available evidence is currently insufficient to determine the role of this variant in disease. Therefore, it has been classified as a Variant of Uncertain Significance. Experimental studies and prediction algorithms are not available or were not evaluated, and the functional significance of this variant is currently unknown. This variant is not present in population databases (gnomAD no frequency). This sequence change replaces aspartic acid, which is acidic and polar, with valine, which is neutral and non-polar, at codon 3764 of the DST protein (p.Asp3764Val). The DST gene has multiple clinically relevant transcripts. This variant occurs in alternate transcript NM_0015548.4, and corresponds to NM_001723.5:c.*106909A>T in the primary transcript.